The following is an entry in ClinVar:

ClinVar aggregate classification (germline): Likely benign. Review status: criteria provided, single submitter (1 of 4 stars). 2 submissions from 2 submitters: Likely benign (1). 1 of the submissions does not count toward it. Last evaluated 2025-12-01.

Conditions:
CIC-related disorder. Also called: CIC-related condition.

Allele frequency attached by ClinVar (database versions not stated): TOPMed 0.00009; 1000 Genomes Project 30x 0.00016; 1000 Genomes Project 0.00020; gnomAD exomes 0.00004; gnomAD 0.00005; ExAC 0.00008.
gnomAD v4.1: 68 of 1,587,526 alleles (0.0043%); highest among the groups gnomAD compares: African/African-American, 0.0067%; no homozygotes.

Submissions (2):

CeGaT Center for Human Genetics Tuebingen
Classification: Likely benign. Last evaluated: 2025-12-01. Review status: criteria provided, single submitter. Criteria: CeGaT Center For Human Genetics Tuebingen Variant Classification Criteria Version 2. Collection method: clinical testing. Allele origin: germline. Affected: yes. Observed: 3 variant alleles.
Comment: CIC: BP4, BP7

PreventionGenetics, part of Exact Sciences
Classification: Likely benign for CIC-related condition. Last evaluated: 2019-02-28. Review status: no assertion criteria provided. Collection method: clinical testing. Allele origin: germline. Not counted in ClinVar's aggregate classification.
Comment: This variant is classified as likely benign based on ACMG/AMP sequence variant interpretation guidelines (Richards et al. 2015 PMID: 25741868, with internal and published modifications).

NM_001386298.1(CIC):c.7383C>T (p.Ser2461=)

Gene: CIC (capicua transcriptional repressor; plus strand). Cytogenetic location: 19q13.2.
Variant type: single nucleotide variant.
Coding change: c.7383C>T on transcript NM_001386298.1 (MANE Select); coding-DNA position 7383, C replaced by T.
Protein change: p.Ser2461=; no amino-acid change (serine 2461 retained).
Molecular consequence: synonymous variant.
Genome position (GRCh38, 1-based): chr19:42,295,020, C>T. VCF-style: chr19-42295020-C-T. GRCh37 (hg19) VCF-style: chr19-42799172-C-T.
Other names: c.7383C>T, p.Ser2461= (NM_001304815.2); c.7380C>T, p.Ser2460= (NM_001379480.1, NM_001379482.1, NM_001379483.1); c.4650C>T, p.Ser1550= (NM_001379484.1); c.4647C>T, p.Ser1549= (NM_001379485.1); c.4656C>T, p.Ser1552= (NM_015125.5).
Identifiers: ClinVar variation 2650019 (VCV002650019.25), dbSNP rs529851215, ClinGen allele CA9473004.